The following is an entry in ClinVar:

ClinVar aggregate classification (germline): Pathogenic. Review status: criteria provided, multiple submitters, no conflicts (2 of 4 stars). 2 submissions from 2 submitters: Pathogenic (2). Last evaluated 2024-06-06.

Conditions:
Duchenne muscular dystrophy (DMD). Also called: MUSCULAR DYSTROPHY, PSEUDOHYPERTROPHIC PROGRESSIVE, DUCHENNE TYPE; Duchenne Muscular Dystrophy (DMD). Identifiers: Orphanet 98896, MedGen C0013264, MONDO:0010679, OMIM 310200.

Submissions (2):

GeneDx
Classification: Pathogenic. Last evaluated: 2024-06-06. Review status: criteria provided, single submitter. Criteria: GeneDx Variant Classification Process June 2021. Collection method: clinical testing. Allele origin: germline. Affected: yes.
Comment: Nonsense variant predicted to result in protein truncation or nonsense mediated decay in a gene for which loss of function is a known mechanism of disease; Not observed at significant frequency in large population cohorts (gnomAD); This variant is associated with the following publications: (PMID: 25525159, 35810418, 16883524)

Labcorp Genetics (formerly Invitae), Labcorp
Classification: Pathogenic for Duchenne muscular dystrophy. Last evaluated: 2022-03-22. Review status: criteria provided, single submitter. Criteria: Invitae Variant Classification Sherloc (09022015). Collection method: clinical testing. Allele origin: germline.
Comment: This premature translational stop signal has been observed in individual(s) with Duchenne muscular dystrophy (PMID: 16883524). ClinVar contains an entry for this variant (Variation ID: 659785). Algorithms developed to predict the effect of sequence changes on RNA splicing suggest that this variant may disrupt the consensus splice site. This variant is not present in population databases (gnomAD no frequency). This sequence change creates a premature translational stop signal (p.Gln206*) in the DMD gene. It is expected to result in an absent or disrupted protein product. Loss-of-function variants in DMD are known to be pathogenic (PMID: 16770791, 25007885). For these reasons, this variant has been classified as Pathogenic.

Literature cited by the submitters: PubMed 16883524 (cited by Labcorp Genetics (formerly Invitae), Labcorp); PubMed 16770791 (cited by Labcorp Genetics (formerly Invitae), Labcorp); PubMed 25007885 (cited by Labcorp Genetics (formerly Invitae), Labcorp).

NM_004006.3(DMD):c.616C>T (p.Gln206Ter)

Gene: DMD (dystrophin; minus strand). Cytogenetic location: Xp21.1.
Variant type: single nucleotide variant.
Coding change: c.616C>T on transcript NM_004006.3 (MANE Select); coding-DNA position 616, C replaced by T.
Protein change: p.Gln206Ter; replaces glutamine 206 with a stop codon.
Molecular consequence: nonsense.
Genome position (GRCh38, 1-based): chrX:32,809,526, G>A on the plus strand (C>T on the coding strand, the complement: DMD is on the minus strand). VCF-style: chrX-32809526-G-A. GRCh37 (hg19) VCF-style: chrX-32827643-G-A.
Other names: c.592C>T, p.Gln198Ter (NM_000109.4); c.604C>T, p.Gln202Ter (NM_004009.3); c.247C>T, p.Gln83Ter (NM_004010.3); short protein forms Q198*, Q202*, Q206*, Q83*.
Identifiers: ClinVar variation 659785 (VCV000659785.11), dbSNP rs1603432076, ClinGen allele CA412673822.
Genomic context (GRCh38, chrX:32,809,526, plus strand): 5'-GCAGTGGTAGTCCAGAAATTTACCAACCTTCAGGATCGAGTAGTTTCTCTATGCCTAATT[G>A]ATATCTGGCGATGTTGAATGCATGTTCCAGTCGTTGTGTGGCTGACTGCTGGCAAACCAC-3'